The following is an entry in ClinVar:

ClinVar aggregate classification (germline): Uncertain significance (1 of 4 stars; one submission).

Submission:

Labcorp Genetics (formerly Invitae), Labcorp
Classification: Uncertain significance. Last evaluated: 2024-10-07. Review status: criteria provided, single submitter. Criteria: Invitae Variant Classification Sherloc (09022015). Collection method: clinical testing. Allele origin: germline.
Comment: This sequence change replaces methionine, which is neutral and non-polar, with lysine, which is basic and polar, at codon 835 of the SETBP1 protein (p.Met835Lys). This variant is not present in population databases (gnomAD no frequency). This variant has not been reported in the literature in individuals affected with SETBP1-related conditions. Invitae Evidence Modeling of protein sequence and biophysical properties (such as structural, functional, and spatial information, amino acid conservation, physicochemical variation, residue mobility, and thermodynamic stability) has been performed for this missense variant. However, the output from this modeling did not meet the statistical confidence thresholds required to predict the impact of this variant on SETBP1 protein function. In summary, the available evidence is currently insufficient to determine the role of this variant in disease. Therefore, it has been classified as a Variant of Uncertain Significance.

NM_015559.3(SETBP1):c.2504T>A (p.Met835Lys)

Gene: SETBP1 (SET binding protein 1; plus strand). Cytogenetic location: 18q12.3.
Variant type: single nucleotide variant.
Coding change: c.2504T>A on transcript NM_015559.3 (MANE Select); coding-DNA position 2504, T replaced by A.
Protein change: p.Met835Lys; replaces methionine 835 with lysine.
Molecular consequence: missense variant.
Genome position (GRCh38, 1-based): chr18:44,951,844, T>A. VCF-style: chr18-44951844-T-A. GRCh37 (hg19) VCF-style: chr18-42531809-T-A.
Other names: c.2504T>A, p.Met835Lys (NM_001379141.1, NM_001379142.1, NM_001410862.1); short protein forms M835K.
Identifiers: ClinVar variation 2835628 (VCV002835628.3), dbSNP rs2511472141, ClinGen allele CA402321536.
Genomic context (GRCh38, chr18:44,951,844, plus strand): 5'-CAACCAAAACCCAAAAGGGAATACACAGTGGAACCTGGAAGCTGTCTCCACCCAGACTGA[T>A]GGCCAACTCCCCTTCACACCTGTGCGAGATTGGCTCCCTAAAGGAAATCACGCTGTCCCC-3'
Protein context (NP_056374.2, residues 825-845): GTWKLSPPRL[Met835Lys]ANSPSHLCEI